The following is an entry in ClinVar:

ClinVar aggregate classification (germline): Uncertain significance (1 of 4 stars; one submission).

Conditions:
Developmental and epileptic encephalopathy, 11 (DEE11). Also called: Early infantile epileptic encephalopathy 11. Identifiers: Orphanet 1934, MedGen C3150987, MONDO:0013388, OMIM 613721.
Seizures, benign familial infantile, 3 (BFIS3). Also called: CONVULSIONS, BENIGN FAMILIAL INFANTILE, 3; Familial neonatal seizures. Identifiers: Orphanet 140927, Orphanet 306, MedGen C1843140, MONDO:0011904, OMIM 607745.

Submission:

Labcorp Genetics (formerly Invitae), Labcorp
Classification: Uncertain significance for Seizures, benign familial infantile, 3; Developmental and epileptic encephalopathy, 11. Last evaluated: 2025-02-02. Review status: criteria provided, single submitter. Criteria: Invitae Variant Classification Sherloc (09022015). Collection method: clinical testing. Allele origin: germline.
Comment: This sequence change replaces valine, which is neutral and non-polar, with leucine, which is neutral and non-polar, at codon 1380 of the SCN2A protein (p.Val1380Leu). This variant is not present in population databases (gnomAD no frequency). This variant has not been reported in the literature in individuals affected with SCN2A-related conditions. Invitae Evidence Modeling of protein sequence and biophysical properties (such as structural, functional, and spatial information, amino acid conservation, physicochemical variation, residue mobility, and thermodynamic stability) indicates that this missense variant is expected to disrupt SCN2A protein function with a positive predictive value of 95%. In summary, the available evidence is currently insufficient to determine the role of this variant in disease. Therefore, it has been classified as a Variant of Uncertain Significance.

NM_001040142.2(SCN2A):c.4138G>C (p.Val1380Leu)

Gene: SCN2A (sodium voltage-gated channel alpha subunit 2; plus strand). Cytogenetic location: 2q24.3.
Variant type: single nucleotide variant.
Coding change: c.4138G>C on transcript NM_001040142.2 (MANE Select); coding-DNA position 4138, G replaced by C.
Protein change: p.Val1380Leu; replaces valine 1380 with leucine.
Molecular consequence: missense variant.
Genome position (GRCh38, 1-based): chr2:165,374,850, G>C. VCF-style: chr2-165374850-G-C. GRCh37 (hg19) VCF-style: chr2-166231360-G-C.
Other names: c.4138G>C, p.Val1380Leu (NM_001040143.2, NM_001371246.1, NM_001371247.1 and 1 more transcripts); short protein forms V1380L.
Identifiers: ClinVar variation 3753669 (VCV003753669.2).